The following is an entry in ClinVar:

NM_015909.4(NBAS):c.5237A>T (p.Tyr1746Phe)

Gene: NBAS (NBAS subunit of NRZ tethering complex; minus strand). Cytogenetic location: 2p24.3.
Variant type: single nucleotide variant.
Coding change: c.5237A>T on transcript NM_015909.4 (MANE Select); coding-DNA position 5237, A replaced by T.
Protein change: p.Tyr1746Phe; replaces tyrosine 1746 with phenylalanine.
Molecular consequence: missense variant. On other transcripts: non-coding transcript variant (1).
Genome position (GRCh38, 1-based): chr2:15,277,003, T>A on the plus strand (A>T on the coding strand, the complement: NBAS is on the minus strand). VCF-style: chr2-15277003-T-A. GRCh37 (hg19) VCF-style: chr2-15417127-T-A.
Other names: short protein forms Y1746F.
Identifiers: ClinVar variation 3709863 (VCV003709863.9).

ClinVar aggregate classification (germline): Conflicting classifications of pathogenicity. Review status: criteria provided, conflicting classifications (1 of 4 stars). 2 submissions from 2 submitters: Uncertain significance (1); Likely benign (1). Last evaluated 2025-07-21.

gnomAD v4.1: 93 of 1,613,884 alleles (0.0058%); highest among the groups gnomAD compares: Non-Finnish European, 0.0071%; no homozygotes.

Submissions (2):

Labcorp Genetics (formerly Invitae), Labcorp
Classification: Likely benign. Last evaluated: 2025-07-21. Review status: criteria provided, single submitter. Criteria: Invitae Variant Classification Sherloc (09022015). Collection method: clinical testing. Allele origin: germline.

CeGaT Center for Human Genetics Tuebingen
Classification: Uncertain significance. Last evaluated: 2025-03-01. Review status: criteria provided, single submitter. Criteria: CeGaT Center For Human Genetics Tuebingen Variant Classification Criteria Version 2. Collection method: clinical testing. Allele origin: germline. Affected: yes. Observed: 1 variant allele.
Comment: NBAS: PM2